The following is an entry in ClinVar:

NM_000135.4(FANCA):c.1257C>G (p.Phe419Leu)

Gene: FANCA (FA complementation group A; minus strand). Cytogenetic location: 16q24.3.
Variant type: single nucleotide variant.
Coding change: c.1257C>G on transcript NM_000135.4 (MANE Select); coding-DNA position 1257, C replaced by G.
Protein change: p.Phe419Leu; replaces phenylalanine 419 with leucine.
Molecular consequence: missense variant.
Genome position (GRCh38, 1-based): chr16:89,791,505, G>C on the plus strand (C>G on the coding strand, the complement: FANCA is on the minus strand). VCF-style: chr16-89791505-G-C. GRCh37 (hg19) VCF-style: chr16-89857913-G-C.
Other names: c.1257C>G (NM_000135.2); c.1257C>G, p.Phe419Leu (NM_001286167.3); short protein forms F419L.
Identifiers: ClinVar variation 1412631 (VCV001412631.9), dbSNP rs764140346, ClinGen allele CA8252426.

ClinVar aggregate classification (germline): Uncertain significance. Review status: criteria provided, multiple submitters, no conflicts (2 of 4 stars). 2 submissions from 2 submitters: Uncertain significance (2). Last evaluated 2025-01-20.

Conditions:
Fanconi anemia (FA). Also called: Fanconi's anemia. Identifiers: Orphanet 84, MedGen C0015625, MeSH D005199, MONDO:0019391.
Inborn genetic diseases. Identifiers: MedGen C0950123, MeSH D030342.

gnomAD v4.1: 7 of 1,614,118 alleles (0.00043%); highest among the groups gnomAD compares: African/African-American, 0.0013%; no homozygotes.

Submissions (2):

Ambry Genetics
Classification: Uncertain significance for Inborn genetic diseases. Last evaluated: 2025-01-20. Review status: criteria provided, single submitter. Criteria: Ambry Variant Classification Scheme 2023. Collection method: clinical testing. Allele origin: germline.
Comment: The p.F419L variant (also known as c.1257C>G), located in coding exon 14 of the FANCA gene, results from a C to G substitution at nucleotide position 1257. The phenylalanine at codon 419 is replaced by leucine, an amino acid with highly similar properties. This amino acid position is conserved. In addition, the in silico prediction for this alteration is inconclusive. Based on the available evidence, the clinical significance of this variant remains unclear.

Labcorp Genetics (formerly Invitae), Labcorp
Classification: Uncertain significance for Fanconi anemia. Last evaluated: 2021-04-28. Review status: criteria provided, single submitter. Criteria: Invitae Variant Classification Sherloc (09022015). Collection method: clinical testing. Allele origin: germline.
Comment: In summary, the available evidence is currently insufficient to determine the role of this variant in disease. Therefore, it has been classified as a Variant of Uncertain Significance. Algorithms developed to predict the effect of missense changes on protein structure and function are either unavailable or do not agree on the potential impact of this missense change (SIFT: "Deleterious"; PolyPhen-2: "Benign"; Align-GVGD: "Class C0"). This variant has not been reported in the literature in individuals with FANCA-related conditions. This variant is present in population databases (rs764140346, ExAC 0.01%). This sequence change replaces phenylalanine with leucine at codon 419 of the FANCA protein (p.Phe419Leu). The phenylalanine residue is highly conserved and there is a small physicochemical difference between phenylalanine and leucine.